The following is an entry in ClinVar:

NM_015374.3(SUN2):c.425-3C>A

Gene: SUN2 (Sad1 and UNC84 domain containing 2; minus strand). Cytogenetic location: 22q13.1.
Variant type: single nucleotide variant.
Coding change: c.425-3C>A on transcript NM_015374.3 (MANE Select); 3 bases into the intron before coding-DNA position 425, C replaced by A.
Molecular consequence: intron variant. On other transcripts: missense variant (1).
Genome position (GRCh38, 1-based): chr22:38,750,323, G>T on the plus strand (C>A on the coding strand, the complement: SUN2 is on the minus strand). VCF-style: chr22-38750323-G-T. GRCh37 (hg19) VCF-style: chr22-39146328-G-T.
Other names: c.485C>A, p.Ala162Glu (NM_001199579.2); c.425-3C>A (NM_001199580.2); short protein forms A162E.
Identifiers: ClinVar variation 952475 (VCV000952475.10), dbSNP rs368321480, ClinGen allele CA10235938.

ClinVar aggregate classification (germline): Uncertain significance (1 of 4 stars; one submission).

Conditions:
Emery-Dreifuss muscular dystrophy (EDMD). Also called: Scapuloperoneal syndrome, X-linked (formerly); Humeroperoneal neuromuscular disease, (formerly). Identifiers: Orphanet 261, MedGen C0410189, MONDO:0016830.

Allele frequency attached by ClinVar (database versions not stated): gnomAD 0.00002 and 0.00003; ExAC 0.00003; TOPMed 0.00006; ESP Exome Variant Server 0.00008.
gnomAD v4.1: 93 of 1,613,778 alleles (0.0058%); highest among the groups gnomAD compares: South Asian, 0.011%; no homozygotes.

Submissions (2):

Labcorp Genetics (formerly Invitae), Labcorp
Classification: Uncertain significance for Emery-Dreifuss muscular dystrophy. Last evaluated: 2025-11-06. Review status: criteria provided, single submitter. Criteria: Invitae Variant Classification Sherloc (09022015). Collection method: clinical testing. Allele origin: germline.
Comment: This sequence change falls in intron 4 of the SUN2 gene. It does not directly change the encoded amino acid sequence of the SUN2 protein. It affects a nucleotide within the consensus splice site. This variant is present in population databases (rs368321480, gnomAD 0.01%). This variant has not been reported in the literature in individuals affected with SUN2-related conditions. ClinVar contains an entry for this variant (Variation ID: 952475). Variants that disrupt the consensus splice site are a relatively common cause of aberrant splicing (PMID: 17576681, 9536098). Algorithms developed to predict the effect of sequence changes on RNA splicing suggest that this variant may disrupt the consensus splice site. In summary, the available evidence is currently insufficient to determine the role of this variant in disease. Therefore, it has been classified as a Variant of Uncertain Significance.

Dr. Peter K. Rogan Lab, Western University
No classification provided (evidence only). Condition: Colon adenocarcinoma. Review status: no classification provided. Collection method: in vitro. Allele origin: not applicable. Functional consequence: retained intron. Not counted in ClinVar's aggregate classification.

Literature cited by the submitters: PubMed 17576681 (cited by Labcorp Genetics (formerly Invitae), Labcorp); PubMed 9536098 (cited by Labcorp Genetics (formerly Invitae), Labcorp).